The following is an entry in ClinVar:

NM_000245.4(MET):c.3863A>T (p.Asn1288Ile)

Gene: MET (MET proto-oncogene, receptor tyrosine kinase; plus strand). Cytogenetic location: 7q31.2.
Variant type: single nucleotide variant.
Coding change: c.3863A>T on transcript NM_000245.4 (MANE Select); coding-DNA position 3863, A replaced by T.
Protein change: p.Asn1288Ile; replaces asparagine 1288 with isoleucine.
Molecular consequence: missense variant.
Genome position (GRCh38, 1-based): chr7:116,795,719, A>T. VCF-style: chr7-116795719-A-T. GRCh37 (hg19) VCF-style: chr7-116435773-A-T.
Other names: c.3917A>T, p.Asn1306Ile (NM_001127500.3); c.2573A>T, p.Asn858Ile (NM_001324402.2); short protein forms N858I, N1306I, N1288I.
Identifiers: ClinVar variation 4716983 (VCV004716983.1).

ClinVar aggregate classification (germline): Uncertain significance (1 of 4 stars; one submission).

Conditions:
Renal cell carcinoma. Identifiers: Orphanet 217071, MedGen C0007134, MeSH D002292, MONDO:0005086, HP:0005584.

Submission:

Labcorp Genetics (formerly Invitae), Labcorp
Classification: Uncertain significance for Renal cell carcinoma. Last evaluated: 2025-12-31. Review status: criteria provided, single submitter. Criteria: Invitae Variant Classification Sherloc (09022015). Collection method: clinical testing. Allele origin: germline.
Comment: This sequence change replaces asparagine, which is neutral and polar, with isoleucine, which is neutral and non-polar, at codon 1306 of the MET protein (p.Asn1306Ile). This variant is not present in population databases (gnomAD no frequency). This variant has not been reported in the literature in individuals affected with MET-related conditions. Invitae Evidence Modeling of protein sequence and biophysical properties (such as structural, functional, and spatial information, amino acid conservation, physicochemical variation, residue mobility, and thermodynamic stability) indicates that this missense variant is expected to disrupt MET protein function with a positive predictive value of 80%. In summary, the available evidence is currently insufficient to determine the role of this variant in disease. Therefore, it has been classified as a Variant of Uncertain Significance.